The following is an entry in ClinVar:

NM_001386298.1(CIC):c.568C>A (p.Pro190Thr)

Gene: CIC (capicua transcriptional repressor; plus strand). Cytogenetic location: 19q13.2.
Variant type: single nucleotide variant.
Coding change: c.568C>A on transcript NM_001386298.1 (MANE Select); coding-DNA position 568, C replaced by A.
Protein change: p.Pro190Thr; replaces proline 190 with threonine.
Molecular consequence: missense variant.
Genome position (GRCh38, 1-based): chr19:42,272,351, C>A. VCF-style: chr19-42272351-C-A. GRCh37 (hg19) VCF-style: chr19-42776503-C-A.
Other names: c.568C>A, p.Pro190Thr (NM_001304815.2, NM_001379480.1, NM_001379482.1 and 6 more transcripts); short protein forms P190T.
Identifiers: ClinVar variation 4856905 (VCV004856905.2).
Genomic context (GRCh38, chr19:42,272,351, plus strand): 5'-GAGCACTCGGCGGACCTGGAGGATGAGCCGGCTGAGGCTTGTGGTCCAGGCCCTTGGCCC[C>A]CTGGCAGCACCAGTGGCAGCTATGACCTGCGGCAGCTGCGGTCCCAGCGGGTGCTGGCTC-3'
Protein context (NP_001373227.1, residues 180-200): AEACGPGPWP[Pro190Thr]GSTSGSYDLR

ClinVar aggregate classification (germline): Uncertain significance (1 of 4 stars; one submission).

Submission:

Dasa
Classification: Uncertain significance. Last evaluated: 2024-08-05. Review status: criteria provided, single submitter. Criteria: DASA Assertion Criteria. Collection method: clinical testing. Allele origin: germline.
Comment: NM_001386298.1(CIC):c.568C>A (p.Pro190Thr) is a missense variant that results in the substitution of proline with threonine. This variant is rare in population databases. The currently available literature and clinical evidence are not sufficient to establish a definitive association between this variant and the reported condition. Therefore, this variant is classified as a variant of uncertain significance.